The following is an entry in ClinVar:

ClinVar aggregate classification (germline): Conflicting classifications of pathogenicity. Review status: criteria provided, conflicting classifications (1 of 4 stars). 2 submissions from 2 submitters: Uncertain significance (1); Likely benign (1). Last evaluated 2025-06-09.

Submissions (2):

Labcorp Genetics (formerly Invitae), Labcorp
Classification: Uncertain significance. Last evaluated: 2025-06-09. Review status: criteria provided, single submitter. Criteria: Invitae Variant Classification Sherloc (09022015). Collection method: clinical testing. Allele origin: germline.
Comment: This sequence change falls in intron 29 of the TRRAP gene. It does not directly change the encoded amino acid sequence of the TRRAP protein. It affects a nucleotide within the consensus splice site. This variant is present in population databases (rs781949612, gnomAD 0.004%). This variant has not been reported in the literature in individuals affected with TRRAP-related conditions. ClinVar contains an entry for this variant (Variation ID: 2917207). Variants that disrupt the consensus splice site are a relatively common cause of aberrant splicing (PMID: 17576681, 9536098). Algorithms developed to predict the effect of sequence changes on RNA splicing suggest that this variant is not likely to affect RNA splicing. In summary, the available evidence is currently insufficient to determine the role of this variant in disease. Therefore, it has been classified as a Variant of Uncertain Significance.

Laboratory of Genetics, Children's Clinical University Hospital Latvia
Classification: Likely benign. Last evaluated: 2025-02-16. Review status: criteria provided, single submitter. Criteria: ACMG Guidelines, 2015. Collection method: clinical testing. Allele origin: germline. Affected: yes.

Literature cited by the submitters: PubMed 17576681 (cited by Labcorp Genetics (formerly Invitae), Labcorp); PubMed 9536098 (cited by Labcorp Genetics (formerly Invitae), Labcorp).

NM_001375524.1(TRRAP):c.4233+4_4233+7del

Gene: TRRAP (transformation/transcription domain associated protein; plus strand). Cytogenetic location: 7q22.1.
Variant type: Deletion.
Coding change: c.4233+4_4233+7del on transcript NM_001375524.1 (MANE Select); bases 4 to 7 of the intron after coding-DNA position 4233, 4 bases deleted (AGTG; older notation c.4233+4_4233+7delAGTG).
Molecular consequence: splice donor variant.
Genome position (GRCh38, 1-based): chr7:98,937,281-98,937,284, AGTG deleted; deleting any 4 consecutive bases within chr7:98,937,278-98,937,284 gives the same sequence; the c. name uses the placement nearest the transcript's 3' end. VCF-style (leftmost placement, unchanged base first): chr7-98937277-GGTGA-G. GRCh37 (hg19) VCF-style: chr7-98534900-GGTGA-G.
Other names: c.4233+4_4233+7del (NM_001244580.2, NM_003496.4).
Identifiers: ClinVar variation 2917207 (VCV002917207.4), dbSNP rs781949612, ClinGen allele CA4360179.